The following is an entry in ClinVar:

ClinVar aggregate classification (germline): Uncertain significance (1 of 4 stars; one submission).

Submission:

Labcorp Genetics (formerly Invitae), Labcorp
Classification: Uncertain significance. Last evaluated: 2022-03-13. Review status: criteria provided, single submitter. Criteria: Invitae Variant Classification Sherloc (09022015). Collection method: clinical testing. Allele origin: germline.
Comment: This variant has not been reported in the literature in individuals affected with PPA2-related conditions. Algorithms developed to predict the effect of missense changes on protein structure and function output the following: SIFT: "Deleterious"; PolyPhen-2: "Benign"; Align-GVGD: "Class C0". The histidine amino acid residue is found in multiple mammalian species, which suggests that this missense change does not adversely affect protein function. In summary, the available evidence is currently insufficient to determine the role of this variant in disease. Therefore, it has been classified as a Variant of Uncertain Significance. This sequence change replaces glutamine, which is neutral and polar, with histidine, which is basic and polar, at codon 251 of the PPA2 protein (p.Gln251His). This variant is not present in population databases (gnomAD no frequency).

NM_176869.3(PPA2):c.753G>C (p.Gln251His)

Gene: PPA2 (inorganic pyrophosphatase 2; minus strand). Cytogenetic location: 4q24.
Variant type: single nucleotide variant.
Coding change: c.753G>C on transcript NM_176869.3 (MANE Select); coding-DNA position 753, G replaced by C.
Protein change: p.Gln251His; replaces glutamine 251 with histidine.
Molecular consequence: missense variant.
Genome position (GRCh38, 1-based): chr4:105,399,067, C>G on the plus strand (G>C on the coding strand, the complement: PPA2 is on the minus strand). VCF-style: chr4-105399067-C-G. GRCh37 (hg19) VCF-style: chr4-106320224-C-G.
Other names: c.666G>C, p.Gln222His (NM_006903.4); c.447G>C, p.Gln149His (NM_176866.2); c.255G>C, p.Gln85His (NM_176867.3); short protein forms Q149H, Q222H, Q85H, Q251H.
Identifiers: ClinVar variation 2111132 (VCV002111132.4), dbSNP rs2477005171, ClinGen allele CA357790491.